The following is an entry in ClinVar:

ClinVar aggregate classification (germline): Uncertain significance (1 of 4 stars; one submission).

Conditions:
Meckel-Gruber syndrome. Also called: Dysencephalia splachnocystica; DYSENCEPHALIA SPLANCHNOCYSTICA; GRUBER SYNDROME. Identifiers: Orphanet 564, MedGen C0265215, MONDO:0018921.
Nephronophthisis. Also called: Juvenile Nephronophthisis. Identifiers: Orphanet 655, MedGen C0687120, MONDO:0019005, HP:0000090.
Joubert syndrome. Also called: Familial aplasia of the vermis; CEREBELLOPARENCHYMAL DISORDER IV; JOUBERT-BOLTSHAUSER SYNDROME. Identifiers: Orphanet 475, MedGen C5979921, MONDO:0018772.

Submission:

Labcorp Genetics (formerly Invitae), Labcorp
Classification: Uncertain significance for Joubert syndrome; Meckel-Gruber syndrome; Nephronophthisis. Last evaluated: 2022-09-01. Review status: criteria provided, single submitter. Criteria: Invitae Variant Classification Sherloc (09022015). Collection method: clinical testing. Allele origin: germline.
Comment: This sequence change replaces glutamic acid, which is acidic and polar, with glutamine, which is neutral and polar, at codon 464 of the CEP290 protein (p.Glu464Gln). This variant is not present in population databases (gnomAD no frequency). This variant has not been reported in the literature in individuals affected with CEP290-related conditions. ClinVar contains an entry for this variant (Variation ID: 578963). Algorithms developed to predict the effect of missense changes on protein structure and function are either unavailable or do not agree on the potential impact of this missense change (SIFT: "Tolerated"; PolyPhen-2: "Possibly Damaging"; Align-GVGD: "Class C0"). In summary, the available evidence is currently insufficient to determine the role of this variant in disease. Therefore, it has been classified as a Variant of Uncertain Significance.

NM_025114.4(CEP290):c.1390G>C (p.Glu464Gln)

Gene: CEP290 (centrosomal protein 290; minus strand). Cytogenetic location: 12q21.32.
Variant type: single nucleotide variant.
Coding change: c.1390G>C on transcript NM_025114.4 (MANE Select); coding-DNA position 1390, G replaced by C.
Protein change: p.Glu464Gln; replaces glutamic acid 464 with glutamine.
Molecular consequence: missense variant.
Genome position (GRCh38, 1-based): chr12:88,120,246, C>G on the plus strand (G>C on the coding strand, the complement: CEP290 is on the minus strand). VCF-style: chr12-88120246-C-G. GRCh37 (hg19) VCF-style: chr12-88514023-C-G.
Other names: short protein forms E464Q.
Identifiers: ClinVar variation 578963 (VCV000578963.6), dbSNP rs1437841365, ClinGen allele CA385980174.